The following is an entry in ClinVar:

ClinVar aggregate classification (germline): Uncertain significance (1 of 4 stars; one submission).

gnomAD v4.1: 29 of 1,580,342 alleles (0.0018%); highest among the groups gnomAD compares: Non-Finnish European, 0.0023%; no homozygotes.

Submission:

GeneDx
Classification: Uncertain significance. Last evaluated: 2025-01-07. Review status: criteria provided, single submitter. Criteria: GeneDx Variant Classification Process June 2021. Collection method: clinical testing. Allele origin: germline. Affected: yes.
Comment: Not observed at significant frequency in large population cohorts (gnomAD); In silico analysis supports that this missense variant has a deleterious effect on protein structure/function; Has not been previously published as pathogenic or benign to our knowledge

NM_006060.6(IKZF1):c.1015G>A (p.Glu339Lys)

Gene: IKZF1 (IKAROS family zinc finger 1; plus strand). Cytogenetic location: 7p12.2.
Variant type: single nucleotide variant.
Coding change: c.1015G>A on transcript NM_006060.6 (MANE Select); coding-DNA position 1015, G replaced by A.
Protein change: p.Glu339Lys; replaces glutamic acid 339 with lysine.
Molecular consequence: missense variant.
Genome position (GRCh38, 1-based): chr7:50,400,082, G>A. VCF-style: chr7-50400082-G-A. GRCh37 (hg19) VCF-style: chr7-50467780-G-A.
Other names: c.889G>A, p.Glu297Lys (NM_001220765.3, NM_001291837.2); c.724G>A, p.Glu242Lys (NM_001220767.2); c.754G>A, p.Glu252Lys (NM_001220768.2, NM_001291838.2); c.598G>A, p.Glu200Lys (NM_001220770.2); c.586G>A, p.Glu196Lys (NM_001220771.2, NM_001291841.1); c.628G>A, p.Glu210Lys (NM_001291839.2); c.325G>A, p.Glu109Lys (NM_001291840.1); c.556G>A, p.Glu186Lys (NM_001291842.1); and 3 more; short protein forms E109K, E144K, E242K, E252K, E297K, E154K, E210K, E186K.
Identifiers: ClinVar variation 4056064 (VCV004056064.1).